The following is an entry in ClinVar:

ClinVar aggregate classification (germline): Conflicting classifications of pathogenicity. Review status: criteria provided, conflicting classifications (1 of 4 stars). 2 submissions from 2 submitters: Uncertain significance (1); Likely benign (1). Last evaluated 2024-09-02.

Conditions:
Cardiovascular phenotype. Identifiers: MedGen CN230736.
Familial hypobetalipoproteinemia 1. Also called: Hypobetalipoproteinemia, normotriglyceridemic; Acanthocytosis with hypobetalipoproteinemia; APOB-Related Familial Hypobetalipoproteinemia. Identifiers: MedGen C4551990, MONDO:0014252, OMIM 615558.
Hypercholesterolemia, autosomal dominant, type B (FHCL2). Also called: Familial Hypercholesterolemia Type B; HYPERCHOLESTEROLEMIA, FAMILIAL, DUE TO LIGAND-DEFECTIVE APOLIPOPROTEIN B; Familial hypercholesterolemia 2; APOB-Related Familial Hypercholesterolemia, Autosomal Dominant; APOLIPOPROTEIN B-100, FAMILIAL DEFECTIVE; APOLIPOPROTEIN B-100, FAMILIAL LIGAND-DEFECTIVE. Identifiers: MedGen C1704417, MONDO:0007751, OMIM 144010.

Allele frequency attached by ClinVar (database versions not stated): gnomAD exomes 0.00001 and 0.00002; ExAC 0.00003; ESP Exome Variant Server 0.00008.
gnomAD v4.1: 9 of 1,614,200 alleles (0.00056%); highest among the groups gnomAD compares: Non-Finnish European, 0.00076%; no homozygotes.

Submissions (2):

Ambry Genetics
Classification: Uncertain significance for Cardiovascular phenotype. Last evaluated: 2024-09-02. Review status: criteria provided, single submitter. Criteria: Ambry Variant Classification Scheme 2023. Collection method: clinical testing. Allele origin: germline.
Comment: The p.V1895A variant (also known as c.5684T>C), located in coding exon 26 of the APOB gene, results from a T to C substitution at nucleotide position 5684. The valine at codon 1895 is replaced by alanine, an amino acid with similar properties. This amino acid position is not well conserved in available vertebrate species, and alanine is the reference amino acid in other vertebrate species. In addition, this alteration is predicted to be tolerated by in silico analysis. Since supporting evidence is limited at this time, the clinical significance of this alteration remains unclear.

Labcorp Genetics (formerly Invitae), Labcorp
Classification: Likely benign for Familial hypobetalipoproteinemia 1; Hypercholesterolemia, autosomal dominant, type B. Last evaluated: 2022-11-06. Review status: criteria provided, single submitter. Criteria: Invitae Variant Classification Sherloc (09022015). Collection method: clinical testing. Allele origin: germline.

NM_000384.3(APOB):c.5684T>C (p.Val1895Ala)

Gene: APOB (apolipoprotein B; minus strand). Cytogenetic location: 2p24.1.
Variant type: single nucleotide variant.
Coding change: c.5684T>C on transcript NM_000384.3 (MANE Select); coding-DNA position 5684, T replaced by C.
Protein change: p.Val1895Ala; replaces valine 1895 with alanine.
Molecular consequence: missense variant.
Genome position (GRCh38, 1-based): chr2:21,011,184, A>G on the plus strand (T>C on the coding strand, the complement: APOB is on the minus strand). VCF-style: chr2-21011184-A-G. GRCh37 (hg19) VCF-style: chr2-21234056-A-G.
Other names: short protein forms V1895A.
Identifiers: ClinVar variation 918984 (VCV000918984.8), dbSNP rs149162499, ClinGen allele CA062321.
Genomic context (GRCh38, chr2:21,011,184, plus strand): 5'-CCATTGCCATTTGTATGTGCATCGATGGTCATGGTAAACGGGGCCATTACAGAACGGAAG[A>G]CATTGCTGAAATGCAGTGAGTCTGAATTATAGTTTGTGCTCATGTCAATGGCTGAAGCCA-3'
Protein context (NP_000375.3, residues 1885-1905): YNSDSLHFSN[Val1895Ala]FRSVMAPFTM